The following is an entry in ClinVar:

ClinVar aggregate classification (germline): Pathogenic. Review status: reviewed by expert panel (3 of 4 stars). 4 submissions from 4 submitters: Pathogenic (1). 3 of the submissions do not count toward it. Last evaluated 2016-10-18.

Conditions:
Breast-ovarian cancer, familial, susceptibility to, 2 (BROVCA2). Also called: BRCA2 Hereditary Breast and Ovarian Cancer. Identifiers: Orphanet 145, MedGen C2675520, MONDO:0012933, OMIM 612555. Disease mechanism: loss of function.
Hereditary breast ovarian cancer syndrome. Also called: BRCA1- and BRCA2-Associated Hereditary Breast and Ovarian Cancer; Hereditary breast and ovarian cancer; Breast and ovarian cancer; Hereditary breast and/or ovarian cancer syndrome; Hereditary breast and ovarian cancer syndrome; Hereditary breast and ovarian cancer syndrome (HBOC). Identifiers: Orphanet 145, MedGen C0677776, MeSH D061325, MONDO:0003582. Disease mechanism: loss of function.

Submissions (4):

Evidence-based Network for the Interpretation of Germline Mutant Alleles (ENIGMA)
Classification: Pathogenic for Breast-ovarian cancer, familial, susceptibility to, 2. Last evaluated: 2016-10-18. Review status: reviewed by expert panel. Criteria: ENIGMA BRCA1/2 Classification Criteria (2015). Collection method: curation. Allele origin: germline.
Comment: Variant allele predicted to encode a truncated non-functional protein.

Department of Medical Genetics, Oslo University Hospital
Classification: Pathogenic for Breast-ovarian cancer, familial, susceptibility to, 2. Last evaluated: 2015-07-01. Review status: criteria provided, single submitter. Criteria: ACMG Guidelines, 2015. Collection method: clinical testing. Allele origin: germline. Affected: yes. Observed: 5 variant alleles. Not counted in ClinVar's aggregate classification.

BRCAlab, Lund University
Classification: Pathogenic for Breast-ovarian cancer, familial, susceptibility to, 2. Last evaluated: 2020-03-02. Review status: no assertion criteria provided. Collection method: clinical testing. Allele origin: germline. Affected: yes. Not counted in ClinVar's aggregate classification.

Research Molecular Genetics Laboratory, Women's College Hospital, University of Toronto
Classification: Pathogenic for Hereditary breast ovarian cancer syndrome. Last evaluated: 2014-01-31. Review status: no assertion criteria provided. Collection method: research. Allele origin: germline. Affected: yes. Study: The Canadian Open Genetics Repository (COGR). Not counted in ClinVar's aggregate classification.

NM_000059.4(BRCA2):c.6085_6089del (p.Glu2029fs)

Gene: BRCA2 (BRCA2 DNA repair associated; plus strand). Cytogenetic location: 13q13.1.
Variant type: Deletion.
Coding change: c.6085_6089del on transcript NM_000059.4 (MANE Select); coding-DNA positions 6085 to 6089, 5 bases deleted (GAAAA; older notation c.6085_6089delGAAAA).
Protein change: p.Glu2029fs; shifts the reading frame from glutamic acid 2029.
Molecular consequence: frameshift variant.
Genome position (GRCh38, 1-based): chr13:32,340,440-32,340,444, GAAAA deleted; deleting any 5 consecutive bases within chr13:32,340,438-32,340,444 gives the same sequence; the c. name uses the placement nearest the transcript's 3' end. VCF-style (leftmost placement, unchanged base first): chr13-32340437-GAAGAA-G. GRCh37 (hg19) VCF-style: chr13-32914574-GAAGAA-G.
Other names: 6311del5 (Stop2046); c.6084_6088delAGAAA (NM_000059.3).
Identifiers: ClinVar variation 266922 (VCV000266922.6), dbSNP rs886040635, ClinGen allele CA10589353.
Genomic context (GRCh38, chr13:32,340,437, plus strand): 5'-AAGCAAGTCTTTTCCAAAGTATTGTTTAAAAGTAACGAACATTCAGACCAGCTCACAAGA[GAAGAA>G]AATACTGCTATACGTACTCCAGAACATTTAATATCCCAAAAAGGCTTTTCATATAATGTG-3'